The following is an entry in ClinVar:

NM_001079872.2(CUL4B):c.351T>C (p.Ala117=)

Genes: CUL4B (cullin 4B; minus strand), LOC113845788 (Sharpr-MPRA regulatory region 11856; plus strand). Cytogenetic location: Xq24.
Variant type: single nucleotide variant.
Coding change: c.351T>C on transcript NM_001079872.2 (MANE Select); coding-DNA position 351, T replaced by C.
Protein change: p.Ala117=; no amino-acid change (alanine 117 retained).
Molecular consequence: synonymous variant.
Genome position (GRCh38, 1-based): chrX:120,560,288, A>G on the plus strand (T>C on the coding strand, the complement: CUL4B is on the minus strand). VCF-style: chrX-120560288-A-G. GRCh37 (hg19) VCF-style: chrX-119694143-A-G.
Other names: c.366T>C, p.Ala122= (NM_001330624.2); c.405T>C, p.Ala135= (NM_003588.4).
Identifiers: ClinVar variation 3348850 (VCV003348850.1).

ClinVar aggregate classification (germline): Likely benign (0 of 4 stars; one submission).

Conditions:
CUL4B-related disorder. Also called: CUL4B-related condition.

Submission:

PreventionGenetics, part of Exact Sciences
Classification: Likely benign for CUL4B-related condition. Last evaluated: 2024-03-23. Review status: no assertion criteria provided. Collection method: clinical testing. Allele origin: germline.
Comment: This variant is classified as likely benign based on ACMG/AMP sequence variant interpretation guidelines (Richards et al. 2015 PMID: 25741868, with internal and published modifications).